The following is an entry in ClinVar:

ClinVar aggregate classification (germline): Likely pathogenic (1 of 4 stars; one submission).

Conditions:
Cobalamin C disease. Also called: Vitamin B12 metabolic defect with combined deficiency of methylmalonyl-CoA mutase and homocysteine:methyltetrahydrofolate methyltransferase; methylmalonic aciduria and homocystinuria type cblC; Methylmalonic aciduria with homocystinuria cblC type; Cobalamin-C methylmalonic acidemia and homocystinuria; Methylmalonic acidemia and homocystinuria cblC type; Methylmalonic aciduria and homocystinuria, Vitamin B12-responsive. Identifiers: Orphanet 26, Orphanet 79282, MedGen C1848561, MONDO:0010184, OMIM 277400.

Submission:

Labcorp Genetics (formerly Invitae), Labcorp
Classification: Likely pathogenic for Cobalamin C disease. Last evaluated: 2022-07-13. Review status: criteria provided, single submitter. Criteria: Invitae Variant Classification Sherloc (09022015). Collection method: clinical testing. Allele origin: germline.
Comment: This sequence change replaces arginine, which is basic and polar, with leucine, which is neutral and non-polar, at codon 161 of the MMACHC protein (p.Arg161Leu). This variant is not present in population databases (gnomAD no frequency). This variant has not been reported in the literature in individuals affected with MMACHC-related conditions. Advanced modeling of protein sequence and biophysical properties (such as structural, functional, and spatial information, amino acid conservation, physicochemical variation, residue mobility, and thermodynamic stability) performed at Invitae indicates that this missense variant is expected to disrupt MMACHC protein function. Algorithms developed to predict the effect of sequence changes on RNA splicing suggest that this variant may create or strengthen a splice site. This variant disrupts the p.Arg161 amino acid residue in MMACHC. Other variant(s) that disrupt this residue have been determined to be pathogenic (PMID: 16311595, 17853453, 19370762, 19700356, 20219402, 21055272, 22560872, 25687216, 25809485, 26283149, 28218226). This suggests that this residue is clinically significant, and that variants that disrupt this residue are likely to be disease-causing. In summary, the currently available evidence indicates that the variant is pathogenic, but additional data are needed to prove that conclusively. Therefore, this variant has been classified as Likely Pathogenic.

Literature cited by the submitters: PubMed 16311595; PubMed 17853453; PubMed 19370762; PubMed 19700356; PubMed 20219402; PubMed 21055272; PubMed 22560872; PubMed 25687216; PubMed 25809485; PubMed 26283149; PubMed 28218226.

NM_015506.3(MMACHC):c.482G>T (p.Arg161Leu)

Gene: MMACHC (metabolism of cobalamin associated C; plus strand). Cytogenetic location: 1p34.1.
Variant type: single nucleotide variant.
Coding change: c.482G>T on transcript NM_015506.3 (MANE Select); coding-DNA position 482, G replaced by T.
Protein change: p.Arg161Leu; replaces arginine 161 with leucine.
Molecular consequence: missense variant.
Genome position (GRCh38, 1-based): chr1:45,508,848, G>T. VCF-style: chr1-45508848-G-T. GRCh37 (hg19) VCF-style: chr1-45974520-G-T.
Other names: c.311G>T, p.Arg104Leu (NM_001330540.2); short protein forms R104L, R161L.
Identifiers: ClinVar variation 2013220 (VCV002013220.4), dbSNP rs121918243, ClinGen allele CA340133171.